The following is an entry in ClinVar:

ClinVar aggregate classification (germline): Uncertain significance (1 of 4 stars; one submission).

Submission:

GeneDx
Classification: Uncertain significance. Last evaluated: 2023-06-01. Review status: criteria provided, single submitter. Criteria: GeneDx Variant Classification Process June 2021. Collection method: clinical testing. Allele origin: germline. Affected: yes.
Comment: Frameshift variant predicted to result in protein truncation or nonsense mediated decay in a gene for which loss-of-function is not an established mechanism of disease; Not observed at significant frequency in large population cohorts (gnomAD); Has not been previously published as pathogenic or benign to our knowledge

NM_001127453.2(GSDME):c.897del (p.Phe299fs)

Gene: GSDME (gasdermin E; minus strand). Cytogenetic location: 7p15.3.
Variant type: Deletion.
Coding change: c.897del on transcript NM_001127453.2 (MANE Select); coding-DNA position 897, one base deleted (T; older notation c.897delT).
Protein change: p.Phe299fs; shifts the reading frame from phenylalanine 299.
Molecular consequence: frameshift variant.
Genome position (GRCh38, 1-based): chr7:24,708,220, A deleted on the plus strand (T on the coding strand, the reverse complement: GSDME is on the minus strand); the first of 3 consecutive A bases (chr7:24,708,220-24,708,222); deleting any one gives the same sequence. VCF-style (leftmost placement, unchanged base first): chr7-24708219-CA-C. GRCh37 (hg19) VCF-style: chr7-24747838-CA-C.
Other names: c.405del, p.Phe135fs (NM_001127454.2); c.897del, p.Phe299fs (NM_004403.3); short protein forms F135fs, F299fs.
Identifiers: ClinVar variation 3359365 (VCV003359365.1).